The following is an entry in ClinVar:

ClinVar aggregate classification (germline): Likely pathogenic (1 of 4 stars; one submission).

Conditions:
Familial temporal lobe epilepsy 7. Identifiers: Orphanet 101046, MedGen C4225327, MONDO:0014639, OMIM 616436.
Norman-Roberts syndrome (LIS2). Also called: Lissencephaly 2 (Norman-Roberts type). Identifiers: Orphanet 89844, MedGen C0796089, MONDO:0009760, OMIM 257320.

Submission:

Labcorp Genetics (formerly Invitae), Labcorp
Classification: Likely pathogenic for Familial temporal lobe epilepsy 7; Norman-Roberts syndrome. Last evaluated: 2022-07-11. Review status: criteria provided, single submitter. Criteria: Invitae Variant Classification Sherloc (09022015). Collection method: clinical testing. Allele origin: unknown.
Comment: This variant results in the deletion of exons 34-38 and part of exon 33 (c.4901_5797+1405del) of the RELN gene. It is expected to disrupt RNA splicing. Variants that disrupt the donor or acceptor splice site typically lead to a loss of protein function (PMID: 16199547), and loss-of-function variants in RELN are known to be pathogenic (PMID: 10973257, 26046367, 28454995). This variant has not been reported in the literature in individuals affected with RELN-related conditions. In summary, the currently available evidence indicates that the variant is pathogenic, but additional data are needed to prove that conclusively. Therefore, this variant has been classified as Likely Pathogenic.

Literature cited by the submitters: PubMed 16199547; PubMed 10973257; PubMed 26046367; PubMed 28454995.

NC_000007.13:g.(?_103196019)_(103206706_?)del

Gene: RELN (reelin; minus strand). Cytogenetic location: 7q22.1.
Variant type: Deletion.
Identifiers: ClinVar variation 3245826 (VCV003245826.1).